The following is an entry in ClinVar:

NM_170606.3(KMT2C):c.12689G>A (p.Arg4230Lys)

Gene: KMT2C (lysine methyltransferase 2C; minus strand). Cytogenetic location: 7q36.1.
Variant type: single nucleotide variant.
Coding change: c.12689G>A on transcript NM_170606.3 (MANE Select); coding-DNA position 12689, G replaced by A.
Protein change: p.Arg4230Lys; replaces arginine 4230 with lysine.
Molecular consequence: missense variant.
Genome position (GRCh38, 1-based): chr7:152,150,985, C>T on the plus strand (G>A on the coding strand, the complement: KMT2C is on the minus strand). VCF-style: chr7-152150985-C-T. GRCh37 (hg19) VCF-style: chr7-151848070-C-T.
Other names: short protein forms R4230K.
Identifiers: ClinVar variation 3677665 (VCV003677665.2).

ClinVar aggregate classification (germline): Uncertain significance (1 of 4 stars; one submission).

gnomAD v4.1: 1 of 1,610,438 alleles (0.000062%); no homozygotes.

Submission:

Labcorp Genetics (formerly Invitae), Labcorp
Classification: Uncertain significance. Last evaluated: 2024-06-01. Review status: criteria provided, single submitter. Criteria: Invitae Variant Classification Sherloc (09022015). Collection method: clinical testing. Allele origin: germline.
Comment: This sequence change replaces arginine, which is basic and polar, with lysine, which is basic and polar, at codon 4230 of the KMT2C protein (p.Arg4230Lys). This variant is not present in population databases (gnomAD no frequency). This variant has not been reported in the literature in individuals affected with KMT2C-related conditions. An algorithm developed to predict the effect of missense changes on protein structure and function (PolyPhen-2) suggests that this variant is likely to be tolerated. In summary, the available evidence is currently insufficient to determine the role of this variant in disease. Therefore, it has been classified as a Variant of Uncertain Significance.